The following is an entry in ClinVar:

ClinVar aggregate classification (germline): Benign (1 of 4 stars; one submission).

Allele frequency attached by ClinVar (database versions not stated): gnomAD 0.03266 and 0.03481; TOPMed 0.03671; 1000 Genomes Project 0.03794; 1000 Genomes Project 30x 0.03982.
gnomAD v4.1: 4,918 of 152,228 alleles (3.2%); highest among the groups gnomAD compares: African/African-American, 11%; 256 homozygotes.

Submission:

GeneDx
Classification: Benign. Last evaluated: 2018-06-14. Review status: criteria provided, single submitter. Criteria: GeneDx Variant Classification (06012015). Collection method: clinical testing. Allele origin: germline. Affected: yes.
Comment: This variant is considered likely benign or benign based on one or more of the following criteria: it is a conservative change, it occurs at a poorly conserved position in the protein, it is predicted to be benign by multiple in silico algorithms, and/or has population frequency not consistent with disease.

NM_001083962.2(TCF4):c.923-224C>T

Gene: TCF4 (transcription factor 4; minus strand). Cytogenetic location: 18q21.2.
Variant type: single nucleotide variant.
Coding change: c.923-224C>T on transcript NM_001083962.2 (MANE Select); 224 bases into the intron before coding-DNA position 923, C replaced by T.
Molecular consequence: intron variant.
Genome position (GRCh38, 1-based): chr18:55,261,757, G>A on the plus strand (C>T on the coding strand, the complement: TCF4 is on the minus strand). VCF-style: chr18-55261757-G-A. GRCh37 (hg19) VCF-style: chr18-52928988-G-A.
Other names: c.1229-224C>T (NM_001243226.3); c.848-224C>T (NM_001369584.1, NM_001369576.1, NM_001369585.1 and 3 more transcripts); c.851-224C>T (NM_001369577.1, NM_001369582.1, NM_001243227.2 and 9 more transcripts); c.923-224C>T (NM_001369571.1, NM_001369567.1, NM_001369572.1 and 4 more transcripts); c.941-224C>T (NM_001243228.2); c.917-224C>T (NM_001243230.2); c.920-224C>T (NM_001369569.1, NM_001369573.1, NM_001369570.1); c.797-224C>T (NM_001243231.2, NM_001348211.2); and 4 more.
Identifiers: ClinVar variation 677004 (VCV000677004.1), dbSNP rs73957090, ClinGen allele CA300819370.